The following is an entry in ClinVar:

NM_004380.3(CREBBP):c.5277A>G (p.Pro1759=)

Gene: CREBBP (CREB binding lysine acetyltransferase; minus strand). Cytogenetic location: 16p13.3.
Variant type: single nucleotide variant.
Coding change: c.5277A>G on transcript NM_004380.3 (MANE Select); coding-DNA position 5277, A replaced by G.
Protein change: p.Pro1759=; no amino-acid change (proline 1759 retained).
Molecular consequence: synonymous variant.
Genome position (GRCh38, 1-based): chr16:3,729,770, T>C on the plus strand (A>G on the coding strand, the complement: CREBBP is on the minus strand). VCF-style: chr16-3729770-T-C. GRCh37 (hg19) VCF-style: chr16-3779771-T-C.
Other names: c.5163A>G, p.Pro1721= (NM_001079846.1).
Identifiers: ClinVar variation 1746534 (VCV001746534.10), dbSNP rs566062184, ClinGen allele CA7869297.

ClinVar aggregate classification (germline): Benign/Likely benign. Review status: criteria provided, multiple submitters, no conflicts (2 of 4 stars). 4 submissions from 4 submitters: Benign (1); Likely benign (2). 1 of the submissions does not count toward it. Last evaluated 2025-12-18.

Conditions:
Inborn genetic diseases. Identifiers: MedGen C0950123, MeSH D030342.
CREBBP-related disorder. Also called: CREBBP-related condition; CREBBP-related disorders.
Rubinstein-Taybi syndrome (RSTS). Identifiers: Orphanet 783, MedGen C0035934, MONDO:0019188.

Allele frequency attached by ClinVar (database versions not stated): TOPMed 0.00002; gnomAD 0.00007; gnomAD exomes 0.00018; ExAC 0.00040; 1000 Genomes Project 30x 0.00078; 1000 Genomes Project 0.00080.
gnomAD v4.1: 275 of 1,604,894 alleles (0.017%); highest among the groups gnomAD compares: South Asian, 0.29%; 2 homozygotes.

Submissions (4):

Labcorp Genetics (formerly Invitae), Labcorp
Classification: Benign for Rubinstein-Taybi syndrome. Last evaluated: 2025-12-18. Review status: criteria provided, single submitter. Criteria: Invitae Variant Classification Sherloc (09022015). Collection method: clinical testing. Allele origin: germline.

Blueprint Genetics
Classification: Likely benign. Last evaluated: 2024-06-25. Review status: criteria provided, single submitter. Criteria: ACMG Guidelines, 2015. Collection method: clinical testing. Allele origin: germline.

Ambry Genetics
Classification: Likely benign for Inborn genetic diseases. Last evaluated: 2018-11-08. Review status: criteria provided, single submitter. Criteria: Ambry Variant Classification Scheme 2023. Collection method: clinical testing. Allele origin: germline.

PreventionGenetics, part of Exact Sciences
Classification: Likely benign for CREBBP-related condition. Last evaluated: 2021-03-11. Review status: no assertion criteria provided. Collection method: clinical testing. Allele origin: germline. Not counted in ClinVar's aggregate classification.
Comment: This variant is classified as likely benign based on ACMG/AMP sequence variant interpretation guidelines (Richards et al. 2015 PMID: 25741868, with internal and published modifications).